The following is an entry in ClinVar:

NM_001378454.1(ALMS1):c.11873-12T>C

Genes: ALMS1 (ALMS1 centrosome and basal body associated protein; plus strand), LOC126806252 (BRD4-independent group 4 enhancer GRCh37_chr2:73828496-73829695; plus strand). Cytogenetic location: 2p13.1.
Variant type: single nucleotide variant.
Coding change: c.11873-12T>C on transcript NM_001378454.1 (MANE Select); 12 bases into the intron before coding-DNA position 11873, T replaced by C.
Molecular consequence: intron variant.
Genome position (GRCh38, 1-based): chr2:73,601,183, T>C. VCF-style: chr2-73601183-T-C. GRCh37 (hg19) VCF-style: chr2-73828310-T-C.
Other names: c.11873-12T>C (NM_015120.4); c.11876-12T>C (NM_015120.4).
Identifiers: ClinVar variation 383770 (VCV000383770.22), dbSNP rs1320374, ClinGen allele CA1715363.
Genomic context (GRCh38, chr2:73,601,183, plus strand): 5'-CCTGGATAAGAGCTGGGTGGGGCTGTAAAAAAGTGAAAAATCTGTGTTCCTTCTAAAAAC[T>C]GTTTCCTGTAGGAGTTTCCTGGTTTGTTCCTGTGGAAAATGTGGAGTCTAGATCAAAGAA-3'

ClinVar aggregate classification (germline): Benign. Review status: criteria provided, multiple submitters, no conflicts (2 of 4 stars). 9 submissions from 9 submitters: Benign (6). 3 of the submissions do not count toward it. Last evaluated 2026-02-04.

Conditions:
Alstrom syndrome (ALMS). Identifiers: Orphanet 64, MedGen C0268425, MONDO:0008763, OMIM 203800.

Allele frequency attached by ClinVar (database versions not stated): ESP Exome Variant Server 0.51501; gnomAD 0.51648 and 0.52778; TOPMed 0.51689; 1000 Genomes Project 30x 0.54482; 1000 Genomes Project 0.55292; ExAC 0.62444.
gnomAD v4.1: 1,001,888 of 1,613,652 alleles (62%); highest among the groups gnomAD compares: East Asian, 74%; 318,554 homozygotes.

Submissions (9):

Labcorp Genetics (formerly Invitae), Labcorp
Classification: Benign for Alstrom syndrome. Last evaluated: 2026-02-04. Review status: criteria provided, single submitter. Criteria: Invitae Variant Classification Sherloc (09022015). Collection method: clinical testing. Allele origin: germline.

Blueprint Genetics
Classification: Benign. Last evaluated: 2024-11-26. Review status: criteria provided, single submitter. Criteria: ACMG Guidelines, 2015. Collection method: clinical testing. Allele origin: germline.

Genome-Nilou Lab
Classification: Benign for Alstrom syndrome. Last evaluated: 2021-07-14. Review status: criteria provided, single submitter. Criteria: ACMG Guidelines, 2015. Collection method: clinical testing. Allele origin: germline. Affected: no.

GeneDx
Classification: Benign. Last evaluated: 2016-09-09. Review status: criteria provided, single submitter. Criteria: GeneDx Variant Classification (06012015). Collection method: clinical testing. Allele origin: germline. Affected: yes.
Comment: This variant is considered likely benign or benign based on one or more of the following criteria: it is a conservative change, it occurs at a poorly conserved position in the protein, it is predicted to be benign by multiple in silico algorithms, and/or has population frequency not consistent with disease.

Laboratory for Molecular Medicine, Mass General Brigham Personalized Medicine
Classification: Benign. Last evaluated: 2016-03-21. Review status: criteria provided, single submitter. Criteria: LMM Criteria. Collection method: clinical testing. Allele origin: germline. Observed: 57 variant alleles.
Comment: c.11870-12T>C in intron 18 of ALMS1: This variant is not expected to have clinic al significance because a T>C change at this position does not diverge from the splice consensus sequence and is therefore unlikely to impact splicing. It has b een identified in 75.28% (6509/8646) of East Asian chromosomes by the Exome Aggr egation Consortium (ExAC; dbSNP rs1320374).

Breakthrough Genomics
Classification: Benign. Review status: criteria provided, single submitter. Criteria: ACMG Guidelines, 2015. Collection method: not provided. Allele origin: germline. Inheritance: Autosomal recessive inheritance. Affected: yes.

Clinical Genetics, Academic Medical Center
Classification: Benign. Review status: no assertion criteria provided. Collection method: clinical testing. Allele origin: germline. Affected: yes. Study: VKGL Data-share Consensus. Not counted in ClinVar's aggregate classification.

Genome Diagnostics Laboratory, University Medical Center Utrecht
Classification: Benign. Review status: no assertion criteria provided. Collection method: clinical testing. Allele origin: germline. Affected: yes. Study: VKGL Data-share Consensus. Not counted in ClinVar's aggregate classification.

Joint Genome Diagnostic Labs from Nijmegen and Maastricht, Radboudumc and MUMC+
Classification: Benign. Review status: no assertion criteria provided. Collection method: clinical testing. Allele origin: germline. Affected: yes. Study: VKGL Data-share Consensus. Not counted in ClinVar's aggregate classification.